The following is an entry in ClinVar:

ClinVar aggregate classification (germline): Uncertain significance. Review status: criteria provided, multiple submitters, no conflicts (2 of 4 stars). 3 submissions from 3 submitters: Uncertain significance (2). 1 of the submissions does not count toward it. Last evaluated 2023-04-11.

Conditions:
Glycogen storage disease type III (GSD3). Also called: FORBES DISEASE; Cori disease. Identifiers: Orphanet 366, MedGen C0017922, MONDO:0009291, OMIM 232400.

Submissions (3):

Genome-Nilou Lab
Classification: Uncertain significance for Glycogen storage disease type III. Last evaluated: 2023-04-11. Review status: criteria provided, single submitter. Criteria: ACMG Guidelines, 2015. Collection method: clinical testing. Allele origin: germline. Affected: no.

Labcorp Genetics (formerly Invitae), Labcorp
Classification: Uncertain significance for Glycogen storage disease type III. Last evaluated: 2022-07-20. Review status: criteria provided, single submitter. Criteria: Invitae Variant Classification Sherloc (09022015). Collection method: clinical testing. Allele origin: germline.
Comment: This variant, c.423_425del, results in the deletion of 1 amino acid(s) of the AGL protein (p.Asp141del), but otherwise preserves the integrity of the reading frame. This variant is present in population databases (no rsID available, gnomAD 0.01%). This variant has not been reported in the literature in individuals affected with AGL-related conditions. ClinVar contains an entry for this variant (Variation ID: 552089). Experimental studies and prediction algorithms are not available or were not evaluated, and the functional significance of this variant is currently unknown. In summary, the available evidence is currently insufficient to determine the role of this variant in disease. Therefore, it has been classified as a Variant of Uncertain Significance.

Counsyl
Classification: Uncertain significance for Glycogen storage disease type III. Last evaluated: 2017-05-22. Review status: no assertion criteria provided. Collection method: clinical testing. Allele origin: unknown. Not counted in ClinVar's aggregate classification.

NM_000642.3(AGL):c.420TGA[1] (p.Asp141del)

Gene: AGL (amylo-alpha-1,6-glucosidase and 4-alpha-glucanotransferase; plus strand). Cytogenetic location: 1p21.2.
Variant type: Microsatellite.
Coding change: c.420TGA[1] on transcript NM_000642.3 (MANE Select); one copy of the 3-base unit TGA starting at c.420; the reference has two copies in a row; one copy, 3 bases deleted.
Protein change: p.Asp141del; deletes aspartic acid 141.
Molecular consequence: inframe deletion. On other transcripts: inframe indel (9).
Genome position (GRCh38, 1-based): chr1:99,862,386-99,862,388, TGA deleted; deleting any 3 consecutive bases within chr1:99,862,383-99,862,388 gives the same sequence; the position shown is the placement nearest the transcript's 3' end. VCF-style (leftmost placement, unchanged base first): chr1-99862382-TTGA-T. GRCh37 (hg19) VCF-style: chr1-100327938-TTGA-T.
Other names: c.420_422TGA[1], p.Asp141del (NM_000028.3, NM_000643.3, NM_000644.3 and 5 more transcripts); c.372_374TGA[1], p.Asp125del (NM_000646.3); short protein forms D141del, D125del.
Identifiers: ClinVar variation 552089 (VCV000552089.7), dbSNP rs1300198233, ClinGen allele CA524878374.